The following is an entry in ClinVar:

NM_006767.4(LZTR1):c.1970C>A (p.Ala657Glu)

Gene: LZTR1 (leucine zipper like post translational regulator 1; plus strand). Cytogenetic location: 22q11.21.
Variant type: single nucleotide variant.
Coding change: c.1970C>A on transcript NM_006767.4 (MANE Select); coding-DNA position 1970, C replaced by A.
Protein change: p.Ala657Glu; replaces alanine 657 with glutamic acid.
Molecular consequence: missense variant.
Genome position (GRCh38, 1-based): chr22:20,995,773, C>A. VCF-style: chr22-20995773-C-A. GRCh37 (hg19) VCF-style: chr22-21350062-C-A.
Other names: p.Ala657Glu; c.1970C>A (NM_006767.3); short protein forms A657E.
Identifiers: ClinVar variation 3380701 (VCV003380701.2).

ClinVar aggregate classification (germline): Uncertain significance. Review status: criteria provided, multiple submitters, no conflicts (2 of 4 stars). 2 submissions from 2 submitters: Uncertain significance (2). Last evaluated 2025-09-19.

Conditions:
Cardiovascular phenotype. Identifiers: MedGen CN230736.
Hereditary cancer-predisposing syndrome. Also called: Neoplastic Syndromes, Hereditary; Tumor predisposition; Hereditary Cancer Syndrome; Hereditary neoplastic syndrome. Identifiers: Orphanet 140162, MedGen C0027672, MeSH D009386, MONDO:0015356.

gnomAD v4.1: 1 of 1,613,476 alleles (0.000062%); highest among the groups gnomAD compares: African/African-American, 0.0013%; no homozygotes.

Submissions (2):

Ambry Genetics
Classification: Uncertain significance for Cardiovascular phenotype; Hereditary cancer-predisposing syndrome. Last evaluated: 2025-09-19. Review status: criteria provided, single submitter. Criteria: Ambry Variant Classification Scheme 2023. Collection method: clinical testing. Allele origin: germline.
Comment: The p.A657E variant (also known as c.1970C>A), located in coding exon 17 of the LZTR1 gene, results from a C to A substitution at nucleotide position 1970. The alanine at codon 657 is replaced by glutamic acid, an amino acid with dissimilar properties. This amino acid position is conserved. In addition, the in silico prediction for this alteration is inconclusive. Based on the available evidence, the clinical significance of this variant remains unclear.

Mayo Clinic Laboratories, Mayo Clinic
Classification: Uncertain significance. Last evaluated: 2025-06-05. Review status: criteria provided, single submitter. Criteria: ACMG Guidelines, 2015. Collection method: clinical testing. Allele origin: germline. Observed: 1 variant allele.
Comment: BP4, PM2_supporting